The following is an entry in ClinVar:

ClinVar aggregate classification (germline): Uncertain significance (1 of 4 stars; one submission).

Conditions:
Hereditary spastic paraplegia 39 (SPG39). Also called: SPASTIC PARAPLEGIA 39, AUTOSOMAL RECESSIVE; Spastic Paraplegia Type 39 (SPG39). Identifiers: Orphanet 139480, MedGen C2677586, MONDO:0012787, OMIM 612020.

Allele frequency attached by ClinVar (database versions not stated): gnomAD 0.00001; TOPMed 0.00001; gnomAD exomes 0.00003.

Submission:

Labcorp Genetics (formerly Invitae), Labcorp
Classification: Uncertain significance for Hereditary spastic paraplegia 39. Last evaluated: 2022-07-15. Review status: criteria provided, single submitter. Criteria: Invitae Variant Classification Sherloc (09022015). Collection method: clinical testing. Allele origin: germline.
Comment: This sequence change falls in intron 16 of the PNPLA6 gene. It does not directly change the encoded amino acid sequence of the PNPLA6 protein. It affects a nucleotide within the consensus splice site. This variant is not present in population databases (gnomAD no frequency). This variant has not been reported in the literature in individuals affected with PNPLA6-related conditions. Variants that disrupt the consensus splice site are a relatively common cause of aberrant splicing (PMID: 17576681, 9536098). Algorithms developed to predict the effect of sequence changes on RNA splicing suggest that this variant is not likely to affect RNA splicing. In summary, the available evidence is currently insufficient to determine the role of this variant in disease. Therefore, it has been classified as a Variant of Uncertain Significance.

Literature cited by the submitters: PubMed 17576681; PubMed 9536098.

NM_001166114.2(PNPLA6):c.1608+5G>A

Gene: PNPLA6 (patatin like domain 6, lysophospholipase; plus strand). Cytogenetic location: 19p13.2.
Variant type: single nucleotide variant.
Coding change: c.1608+5G>A on transcript NM_001166114.2 (MANE Select); 5 bases into the intron after coding-DNA position 1608, G replaced by A.
Molecular consequence: intron variant.
Genome position (GRCh38, 1-based): chr19:7,543,089, G>A. VCF-style: chr19-7543089-G-A. GRCh37 (hg19) VCF-style: chr19-7607975-G-A.
Other names: c.1491+5G>A (NM_006702.5, NM_001166113.1); c.1413+161G>A (NM_001166112.2); c.1635+5G>A (NM_001166111.2).
Identifiers: ClinVar variation 2414541 (VCV002414541.2), dbSNP rs1373062986, ClinGen allele CA884229880.
Genomic context (GRCh38, chr19:7,543,089, plus strand): 5'-GAGTCTTGCTGCACCACGCCAAAGCTGGCACCATCATTGCCCGCCAGGGAGACCAGGTGA[G>A]GCTGACCCCTGACCTGTAACCATGCCACCTGAGATCATTCCCTATGACTTCTGTGACCTC-3'